The following is an entry in ClinVar:

ClinVar aggregate classification (germline): Pathogenic (1 of 4 stars; one submission).

Conditions:
Developmental and epileptic encephalopathy, 9 (DEE9). Also called: Early infantile epileptic encephalopathy 9; PCDH19-Related X-Linked Female-Limited Epilepsy with Mental Retardation; JUBERG-HELLMAN SYNDROME; EPILEPSY, FEMALE-RESTRICTED, WITH MENTAL RETARDATION. Identifiers: Orphanet 101039, Orphanet 2076, MedGen C1848137, MONDO:0010246, OMIM 300088. Disease mechanism: loss of function.

Submission:

Labcorp Genetics (formerly Invitae), Labcorp
Classification: Pathogenic for Developmental and epileptic encephalopathy, 9. Last evaluated: 2023-04-26. Review status: criteria provided, single submitter. Criteria: Invitae Variant Classification Sherloc (09022015). Collection method: clinical testing. Allele origin: germline.
Comment: This sequence change creates a premature translational stop signal (p.Gly513Alafs*56) in the PCDH19 gene. It is expected to result in an absent or disrupted protein product. Loss-of-function variants in PCDH19 are known to be pathogenic (PMID: 21053371). This variant is not present in population databases (gnomAD no frequency). This variant has not been reported in the literature in individuals affected with PCDH19-related conditions. For these reasons, this variant has been classified as Pathogenic.

Literature cited by the submitters: PubMed 21053371.

NM_001184880.2(PCDH19):c.1538del (p.Gly513fs)

Gene: PCDH19 (protocadherin 19; minus strand). Cytogenetic location: Xq22.1.
Variant type: Deletion.
Coding change: c.1538del on transcript NM_001184880.2 (MANE Select); coding-DNA position 1538, one base deleted (G; older notation c.1538delG).
Protein change: p.Gly513fs; shifts the reading frame from glycine 513.
Molecular consequence: frameshift variant.
Genome position (GRCh38, 1-based): chrX:100,407,060, C deleted on the plus strand (G on the coding strand, the reverse complement: PCDH19 is on the minus strand); the first of 2 consecutive C bases (chrX:100,407,060-100,407,061); deleting either gives the same sequence. VCF-style (leftmost placement, unchanged base first): chrX-100407059-GC-G. GRCh37 (hg19) VCF-style: chrX-99662057-GC-G.
Other names: c.1538del, p.Gly513fs (NM_001105243.2, NM_020766.3); short protein forms G513fs.
Identifiers: ClinVar variation 2859639 (VCV002859639.3), dbSNP rs2520981153, ClinGen allele CA2739273663.
Genomic context (GRCh38, chrX:100,407,059, plus strand): 5'-CACCTTGAATTCGAACGCCTTGGTCTGCTCGTGGTTAAAGGATCGCAGCGCGTAGATGTC[GC>G]CTGAGTTGGGATTGATGGAGACATAGGTGAAGACAGGCATGTCCCGCACCTGCGACGGCA-3'